The following is an entry in ClinVar:

ClinVar aggregate classification (germline): Likely benign. Review status: reviewed by expert panel (3 of 4 stars). 7 submissions from 7 submitters: Likely benign (1). 6 of the submissions do not count toward it. Last evaluated 2017-06-29.

Conditions:
Hereditary cancer-predisposing syndrome. Also called: Hereditary Cancer Syndrome; Hereditary neoplastic syndrome; Tumor predisposition; Neoplastic Syndromes, Hereditary. Identifiers: Orphanet 140162, MedGen C0027672, MeSH D009386, MONDO:0015356.
Hereditary breast ovarian cancer syndrome. Also called: Hereditary breast and ovarian cancer syndrome; Hereditary breast and ovarian cancer syndrome (HBOC); BRCA1- and BRCA2-Associated Hereditary Breast and Ovarian Cancer; Breast and ovarian cancer; Hereditary breast and ovarian cancer; Hereditary breast and/or ovarian cancer syndrome. Identifiers: Orphanet 145, MedGen C0677776, MeSH D061325, MONDO:0003582. Disease mechanism: loss of function.
Breast-ovarian cancer, familial, susceptibility to, 1 (BROVCA1). Also called: OVARIAN CANCER, SUSCEPTIBILITY TO; BRCA1 Hereditary Breast and Ovarian Cancer. Identifiers: Orphanet 145, MedGen C2676676, MONDO:0011450, OMIM 604370. Disease mechanism: loss of function.

Allele frequency attached by ClinVar (database versions not stated): gnomAD exomes below 0.00001; TOPMed below 0.00001; gnomAD 0.00001; ESP Exome Variant Server 0.00008.
gnomAD v4.1: 1 of 1,614,070 alleles (0.000062%); highest among the groups gnomAD compares: Non-Finnish European, 0.000085%; no homozygotes.

Submissions (7):

Evidence-based Network for the Interpretation of Germline Mutant Alleles (ENIGMA)
Classification: Likely benign for Breast-ovarian cancer, familial, susceptibility to, 1. Last evaluated: 2017-06-29. Review status: reviewed by expert panel. Criteria: ENIGMA BRCA1/2 Classification Criteria (2017-06-29). Collection method: curation. Allele origin: germline.
Comment: Synonymous substitution variant, with low bioinformatic likelihood to result in a splicing aberration (Splicing prior probability 0.02).

Color Diagnostics, LLC DBA Color Health
Classification: Likely benign for Hereditary cancer-predisposing syndrome. Last evaluated: 2025-09-05. Review status: criteria provided, single submitter. Criteria: ACMG Guidelines, 2015. Collection method: clinical testing. Allele origin: germline. Not counted in ClinVar's aggregate classification.

Women's Health and Genetics/Laboratory Corporation of America, LabCorp
Classification: Likely benign. Last evaluated: 2024-12-06. Review status: criteria provided, single submitter. Criteria: LabCorp Variant Classification Summary - May 2015. Collection method: clinical testing. Allele origin: germline. Not counted in ClinVar's aggregate classification.

Labcorp Genetics (formerly Invitae), Labcorp
Classification: Likely benign for Hereditary breast ovarian cancer syndrome. Last evaluated: 2024-08-01. Review status: criteria provided, single submitter. Criteria: Invitae Variant Classification Sherloc (09022015). Collection method: clinical testing. Allele origin: germline. Not counted in ClinVar's aggregate classification.

GeneDx
Classification: Benign. Last evaluated: 2015-06-18. Review status: criteria provided, single submitter. Criteria: GeneDx Variant Classification (06012015). Collection method: clinical testing. Allele origin: germline. Affected: yes. Not counted in ClinVar's aggregate classification.
Comment: This variant is considered likely benign or benign based on one or more of the following criteria: it is a conservative change, it occurs at a poorly conserved position in the protein, it is predicted to be benign by multiple in silico algorithms, and/or has population frequency not consistent with disease.

Ambry Genetics
Classification: Likely benign for Hereditary cancer-predisposing syndrome. Last evaluated: 2014-08-11. Review status: criteria provided, single submitter. Criteria: Ambry Variant Classification Scheme 2023. Collection method: clinical testing. Allele origin: germline. Not counted in ClinVar's aggregate classification.

Department of Pathology and Laboratory Medicine, Sinai Health System
Classification: Uncertain significance. Review status: no assertion criteria provided. Collection method: clinical testing. Allele origin: unknown. Affected: yes. Observed: 1 variant allele. Study: The Canadian Open Genetics Repository (COGR). Not counted in ClinVar's aggregate classification.

NM_007294.4(BRCA1):c.1227A>G (p.Val409=)

Gene: BRCA1 (BRCA1 DNA repair associated; minus strand). Cytogenetic location: 17q21.31.
Variant type: single nucleotide variant.
Coding change: c.1227A>G on transcript NM_007294.4 (MANE Select); coding-DNA position 1227, A replaced by G.
Protein change: p.Val409=; no amino-acid change (valine 409 retained).
Molecular consequence: synonymous variant. On other transcripts: intron variant (137).
Genome position (GRCh38, 1-based): chr17:43,094,304, T>C on the plus strand (A>G on the coding strand, the complement: BRCA1 is on the minus strand). VCF-style: chr17-43094304-T-C. GRCh37 (hg19) VCF-style: chr17-41246321-T-C.
Other names: c.1086A>G, p.Val362= (NM_001407942.1, NM_001407944.1, NM_001407945.1 and 29 more transcripts); c.1083A>G, p.Val361= (NM_001407943.1, NM_001407964.1, NM_001407740.1 and 20 more transcripts); c.894A>G, p.Val298= (NM_001407946.1, NM_001407947.1, NM_001407948.1 and 6 more transcripts); c.891A>G, p.Val297= (NM_001407954.1, NM_001407955.1, NM_001407956.1 and 1 more transcripts); c.846A>G, p.Val282= (NM_001407959.1, NM_001407960.1, NM_001407963.1); c.843A>G, p.Val281= (NM_001407962.1); c.723A>G, p.Val241= (NM_001407965.1); c.339A>G, p.Val113= (NM_001407966.1, NM_001407967.1); and 40 more.
Identifiers: ClinVar variation 185871 (VCV000185871.19), dbSNP rs149349675, ClinGen allele CA000804.
Genomic context (GRCh38, chr17:43,094,304, plus strand): 5'-TATTTTCTCTGAAGAACCAGAATATTCATCTACCTCATTTAGAACGTCCAATACATCAGC[T>C]ACTTTGGCATTTGATTCAGACTCCCCATCATGTGAGTCATCAGAACCTAACAGTTCATCA-3'
Protein context (NP_009225.1, residues 399-419): HDGESESNAK[Val409=]ADVLDVLNEV